The following is an entry in ClinVar:

NM_006734.4(HIVEP2):c.4636G>C (p.Gly1546Arg)

Gene: HIVEP2 (HIVEP zinc finger 2; minus strand). Cytogenetic location: 6q24.2.
Variant type: single nucleotide variant.
Coding change: c.4636G>C on transcript NM_006734.4 (MANE Select); coding-DNA position 4636, G replaced by C.
Protein change: p.Gly1546Arg; replaces glycine 1546 with arginine.
Molecular consequence: missense variant.
Genome position (GRCh38, 1-based): chr6:142,770,103, C>G on the plus strand (G>C on the coding strand, the complement: HIVEP2 is on the minus strand). VCF-style: chr6-142770103-C-G. GRCh37 (hg19) VCF-style: chr6-143091240-C-G.
Other names: short protein forms G1546R.
Identifiers: ClinVar variation 2797723 (VCV002797723.3), dbSNP rs377180774, ClinGen allele CA365898955.
Genomic context (GRCh38, chr6:142,770,103, plus strand): 5'-AAGATTCTTTGCTTTCAGAAGGCCCACTGGACTTCTGCCCCGGAAGTGGTGCCCGGGAAC[C>G]GGAAAGCATCTCCTTGCTGGGCAGGAATGGCTCCCTGGAAGACGGGCTAACAGAAGGATA-3'
Protein context (NP_006725.3, residues 1536-1556): PFLPSKEMLS[Gly1546Arg]SRAPLPGQKS

ClinVar aggregate classification (germline): Uncertain significance (1 of 4 stars; one submission).

Submission:

Labcorp Genetics (formerly Invitae), Labcorp
Classification: Uncertain significance. Last evaluated: 2024-05-15. Review status: criteria provided, single submitter. Criteria: Invitae Variant Classification Sherloc (09022015). Collection method: clinical testing. Allele origin: germline.
Comment: This sequence change replaces glycine, which is neutral and non-polar, with arginine, which is basic and polar, at codon 1546 of the HIVEP2 protein (p.Gly1546Arg). This variant is not present in population databases (gnomAD no frequency). This variant has not been reported in the literature in individuals affected with HIVEP2-related conditions. This missense change has been observed in at least one individual who was not affected with HIVEP2-related conditions (Invitae). An algorithm developed to predict the effect of missense changes on protein structure and function (PolyPhen-2) suggests that this variant is likely to be disruptive. In summary, the available evidence is currently insufficient to determine the role of this variant in disease. Therefore, it has been classified as a Variant of Uncertain Significance.